The following is an entry in ClinVar:

NM_000632.4(ITGAM):c.2866C>G (p.Gln956Glu)

Gene: ITGAM (integrin subunit alpha M; plus strand). Cytogenetic location: 16p11.2.
Variant type: single nucleotide variant.
Coding change: c.2866C>G on transcript NM_000632.4 (MANE Select); coding-DNA position 2866, C replaced by G.
Protein change: p.Gln956Glu; replaces glutamine 956 with glutamic acid.
Molecular consequence: missense variant.
Genome position (GRCh38, 1-based): chr16:31,329,301, C>G. VCF-style: chr16-31329301-C-G. GRCh37 (hg19) VCF-style: chr16-31340622-C-G.
Other names: c.2869C>G, p.Gln957Glu (NM_001145808.2); short protein forms Q956E, Q957E.
Identifiers: ClinVar variation 3689353 (VCV003689353.2).
Genomic context (GRCh38, chr16:31,329,301, plus strand): 5'-ACTAAATATCTCAACTTCACGGCCTCAGAGAATACCAGTCGGGTCATGCAGCATCAATAT[C>G]AGGTGGGCAGCTGGGACGTCTGGGTCCTGAGAAGGAGGCTGGGGAGGAAAATCGATGGTA-3'
Protein context (NP_000623.2, residues 946-966): NTSRVMQHQY[Gln956Glu]VSNLGQRSLP

ClinVar aggregate classification (germline): Uncertain significance (1 of 4 stars; one submission).

gnomAD v4.1: 3 of 1,607,976 alleles (0.00019%); highest among the groups gnomAD compares: African/African-American, 0.0013%; no homozygotes.

Submission:

Labcorp Genetics (formerly Invitae), Labcorp
Classification: Uncertain significance. Last evaluated: 2024-06-06. Review status: criteria provided, single submitter. Criteria: Invitae Variant Classification Sherloc (09022015). Collection method: clinical testing. Allele origin: germline.
Comment: This sequence change replaces glutamine, which is neutral and polar, with glutamic acid, which is acidic and polar, at codon 956 of the ITGAM protein (p.Gln956Glu). This variant is not present in population databases (gnomAD no frequency). This variant has not been reported in the literature in individuals affected with ITGAM-related conditions. Algorithms developed to predict the effect of missense changes on protein structure and function output the following: SIFT: "Not Available"; PolyPhen-2: "Benign"; Align-GVGD: "Not Available". The glutamic acid amino acid residue is found in multiple mammalian species, which suggests that this missense change does not adversely affect protein function. In summary, the available evidence is currently insufficient to determine the role of this variant in disease. Therefore, it has been classified as a Variant of Uncertain Significance.